The following is an entry in ClinVar:

NM_022157.4(RRAGC):c.795C>A (p.Val265=)

Gene: RRAGC (Ras related GTP binding C; minus strand). Cytogenetic location: 1p34.3.
Variant type: single nucleotide variant.
Coding change: c.795C>A on transcript NM_022157.4 (MANE Select); coding-DNA position 795, C replaced by A.
Protein change: p.Val265=; no amino-acid change (valine 265 retained).
Molecular consequence: synonymous variant.
Genome position (GRCh38, 1-based): chr1:38,851,719, G>T on the plus strand (C>A on the coding strand, the complement: RRAGC is on the minus strand). VCF-style: chr1-38851719-G-T. GRCh37 (hg19) VCF-style: chr1-39317391-G-T.
Other names: c.693C>A, p.Val231= (NM_001271851.2).
Identifiers: ClinVar variation 5041455 (VCV005041455.1).

ClinVar aggregate classification (germline): Likely benign (1 of 4 stars; one submission).

gnomAD v4.1: 12 of 1,608,096 alleles (0.00075%); highest among the groups gnomAD compares: Admixed American, 0.015%; no homozygotes.

Submission:

CeGaT Center for Human Genetics Tuebingen
Classification: Likely benign. Last evaluated: 2026-09-01. Review status: criteria provided, single submitter. Criteria: CeGaT Center For Human Genetics Tuebingen Variant Classification Criteria Version 2. Collection method: clinical testing. Allele origin: germline. Affected: yes. Observed: 1 variant allele.
Comment: RRAGC: BP4